The following is an entry in ClinVar:

ClinVar aggregate classification (germline): Uncertain significance (1 of 4 stars; one submission).

Conditions:
Gastrointestinal stromal tumor. Also called: Gastrointestinal stromal tumor, somatic; Gastrointestinal stroma tumor. Identifiers: Orphanet 44890, MedGen C0238198, MeSH D046152, MONDO:0011719, OMIM 606764, HP:0100723.

Allele frequency attached by ClinVar (database versions not stated): gnomAD exomes below 0.00001; TOPMed below 0.00001.

Submission:

Labcorp Genetics (formerly Invitae), Labcorp
Classification: Uncertain significance for Gastrointestinal stromal tumor. Last evaluated: 2024-04-18. Review status: criteria provided, single submitter. Criteria: Invitae Variant Classification Sherloc (09022015). Collection method: clinical testing. Allele origin: germline.
Comment: This sequence change replaces serine, which is neutral and polar, with isoleucine, which is neutral and non-polar, at codon 566 of the PDGFRA protein (p.Ser566Ile). This variant is not present in population databases (gnomAD no frequency). This variant has not been reported in the literature in individuals affected with PDGFRA-related conditions. ClinVar contains an entry for this variant (Variation ID: 568519). Advanced modeling of protein sequence and biophysical properties (such as structural, functional, and spatial information, amino acid conservation, physicochemical variation, residue mobility, and thermodynamic stability) has been performed at Invitae for this missense variant, however the output from this modeling did not meet the statistical confidence thresholds required to predict the impact of this variant on PDGFRA protein function. In summary, the available evidence is currently insufficient to determine the role of this variant in disease. Therefore, it has been classified as a Variant of Uncertain Significance.

NM_006206.6(PDGFRA):c.1697G>T (p.Ser566Ile)

Gene: PDGFRA (platelet derived growth factor receptor alpha; plus strand). Cytogenetic location: 4q12.
Variant type: single nucleotide variant.
Coding change: c.1697G>T on transcript NM_006206.6 (MANE Select); coding-DNA position 1697, G replaced by T.
Protein change: p.Ser566Ile; replaces serine 566 with isoleucine.
Molecular consequence: missense variant.
Genome position (GRCh38, 1-based): chr4:54,274,884, G>T. VCF-style: chr4-54274884-G-T. GRCh37 (hg19) VCF-style: chr4-55141051-G-T.
Other names: c.1697G>T, p.Ser566Ile (NM_001347827.2, NM_001347829.2); c.1772G>T, p.Ser591Ile (NM_001347828.2); c.1736G>T, p.Ser579Ile (NM_001347830.2); short protein forms S566I, S579I, S591I.
Identifiers: ClinVar variation 568519 (VCV000568519.11), dbSNP rs1560480581, ClinGen allele CA356893111.
Genomic context (GRCh38, chr4:54,274,884, plus strand): 5'-GTCCTGGTCATTTATAGAAACCGAGGTATGAAATTCGCTGGAGGGTCATTGAATCAATCA[G>T]CCCAGATGGACATGAATATATTTATGTGGACCCGATGCAGCTGCCTTATGACTCAAGATG-3'
Protein context (NP_006197.1, residues 556-576): EIRWRVIESI[Ser566Ile]PDGHEYIYVD